The following is an entry in ClinVar:

ClinVar aggregate classification (germline): Likely pathogenic. Review status: criteria provided, multiple submitters, no conflicts (2 of 4 stars). 3 submissions from 3 submitters: Likely pathogenic (2). 1 of the submissions does not count toward it. Last evaluated 2025-06-17.

Conditions:
Sialuria. Also called: Sialic Acid Storage Disease; SIALURIA, FRENCH TYPE. Identifiers: Orphanet 3166, MedGen C0342853, MONDO:0010028, OMIM 269921.
GNE myopathy (NM). Also called: INCLUSION BODY MYOPATHY 2, AUTOSOMAL RECESSIVE; INCLUSION BODY MYOPATHY, HEREDITARY, AUTOSOMAL RECESSIVE; Inclusion body myopathy autosomal recessive; Inclusion body myopathy quadriceps sparing; IBM 2; NONAKA DISTAL MYOPATHY. Identifiers: Orphanet 602, MedGen C1853926, MONDO:0011603, OMIM 605820.

Allele frequency attached by ClinVar (database versions not stated): gnomAD exomes 0.00001.
gnomAD v4.1: 3 of 1,611,724 alleles (0.00019%); highest among the groups gnomAD compares: East Asian, 0.0067%; no homozygotes.

Submissions (3):

Women's Health and Genetics/Laboratory Corporation of America, LabCorp
Classification: Likely pathogenic for GNE myopathy. Last evaluated: 2025-06-17. Review status: criteria provided, single submitter. Criteria: LabCorp Variant Classification Summary - May 2015. Collection method: clinical testing. Allele origin: germline.
Comment: Variant summary: GNE c.1355T>C (p.Val452Ala) results in a non-conservative amino acid change in the encoded protein sequence. Algorithms developed to predict the effect of missense changes on protein structure and function all suggest that this variant is likely to be disruptive. The variant was absent in 251452 control chromosomes. c.1355T>C has been observed in the compound heterozygous state in individuals affected with Inclusion Body Myopathy 2 (Zhu_2017, Tomimitsu_2004, Cai_2013). These data indicate that the variant is likely to be associated with disease. To our knowledge, no experimental evidence demonstrating an impact on protein function has been reported. The following publications have been ascertained in the context of this evaluation (PMID: 27829678, 15136692, 23558691). ClinVar contains an entry for this variant (Variation ID: 370270). Based on the evidence outlined above, the variant was classified as likely pathogenic.

Labcorp Genetics (formerly Invitae), Labcorp
Classification: Likely pathogenic for Sialuria; GNE myopathy. Last evaluated: 2025-06-12. Review status: criteria provided, single submitter. Criteria: Invitae Variant Classification Sherloc (09022015). Collection method: clinical testing. Allele origin: germline.
Comment: This sequence change replaces valine, which is neutral and non-polar, with alanine, which is neutral and non-polar, at codon 452 of the GNE protein (p.Val452Ala). This variant is not present in population databases (gnomAD no frequency). This missense change has been observed in individuals with autosomal recessive distal myopathy (PMID: 15136692, 23558691, 27829678). This variant is also known as V421A. ClinVar contains an entry for this variant (Variation ID: 370270). Invitae Evidence Modeling of protein sequence and biophysical properties (such as structural, functional, and spatial information, amino acid conservation, physicochemical variation, residue mobility, and thermodynamic stability) has been performed for this missense variant. However, the output from this modeling did not meet the statistical confidence thresholds required to predict the impact of this variant on GNE protein function. In summary, the currently available evidence indicates that the variant is pathogenic, but additional data are needed to prove that conclusively. Therefore, this variant has been classified as Likely Pathogenic.

Counsyl
Classification: Likely pathogenic for GNE myopathy. Last evaluated: 2015-12-30. Review status: no assertion criteria provided. Collection method: clinical testing. Allele origin: unknown. Not counted in ClinVar's aggregate classification.

Literature cited by the submitters: PubMed 27829678 (cited by Women's Health and Genetics/Laboratory Corporation of America, LabCorp and Labcorp Genetics (formerly Invitae), Labcorp); PubMed 15136692 (cited by 3 submitters); PubMed 23558691 (cited by 3 submitters); PubMed 24027297 (cited by Counsyl); PubMed 19917666 (cited by Counsyl); PubMed 24796702 (cited by Counsyl).

NM_005476.7(GNE):c.1262T>C (p.Val421Ala)

Gene: GNE (glucosamine (UDP-N-acetyl)-2-epimerase/N-acetylmannosamine kinase; minus strand). Cytogenetic location: 9p13.3.
Variant type: single nucleotide variant.
Coding change: c.1262T>C on transcript NM_005476.7 (MANE Select); coding-DNA position 1262, T replaced by C.
Protein change: p.Val421Ala; replaces valine 421 with alanine.
Molecular consequence: missense variant.
Genome position (GRCh38, 1-based): chr9:36,227,267, A>G on the plus strand (T>C on the coding strand, the complement: GNE is on the minus strand). VCF-style: chr9-36227267-A-G. GRCh37 (hg19) VCF-style: chr9-36227264-A-G.
Other names: c.1085T>C, p.Val362Ala (NM_001190388.2, NM_001374798.1); c.1109T>C, p.Val370Ala (NM_001374797.1); c.1355T>C, p.Val452Ala (NM_001128227.3); c.1262T>C, p.Val421Ala (NM_001190383.3); c.932T>C, p.Val311Ala (NM_001190384.3); short protein forms V452A, V421A, V311A, V362A, V370A.
Identifiers: ClinVar variation 370270 (VCV000370270.6), dbSNP rs1057516364, ClinGen allele CA16041316.